The following is an entry in ClinVar:

ClinVar aggregate classification (germline): Likely benign (1 of 4 stars; one submission).

Submission:

CeGaT Center for Human Genetics Tuebingen
Classification: Likely benign. Last evaluated: 2025-08-01. Review status: criteria provided, single submitter. Criteria: CeGaT Center For Human Genetics Tuebingen Variant Classification Criteria Version 2. Collection method: clinical testing. Allele origin: germline. Affected: yes. Observed: 1 variant allele.
Comment: HRAS: PM2:Supporting, BP4, BP7

NM_005343.4(HRAS):c.321T>C (p.Asp107=)

Genes: HRAS (HRas proto-oncogene, GTPase; minus strand), LRRC56 (leucine rich repeat containing 56; plus strand). Cytogenetic location: 11p15.5.
Variant type: single nucleotide variant.
Coding change: c.321T>C on transcript NM_005343.4 (MANE Select); coding-DNA position 321, T replaced by C.
Protein change: p.Asp107=; no amino-acid change (aspartic acid 107 retained).
Molecular consequence: synonymous variant. On other transcripts: missense variant (1), initiator codon variant (1), intron variant (2).
Genome position (GRCh38, 1-based): chr11:533,582, A>G on the plus strand (T>C on the coding strand, the complement: HRAS is on the minus strand). VCF-style: chr11-533582-A-G. GRCh37 (hg19) VCF-style: chr11-533582-A-G.
Other names: c.321T>C, p.Asp107= (NM_001130442.3, NM_176795.5); c.2T>C, p.Met1Thr (NM_001318054.2); c.-162+5245A>G (NM_001441284.1, NM_001441286.1); short protein forms M1T.
Identifiers: ClinVar variation 4085743 (VCV004085743.8).